The following is an entry in ClinVar:

NM_020863.4(ZFAT):c.384G>A (p.Thr128=)

Gene: ZFAT (zinc finger and AT-hook domain containing; minus strand). Cytogenetic location: 8q24.22.
Variant type: single nucleotide variant.
Coding change: c.384G>A on transcript NM_020863.4 (MANE Select); coding-DNA position 384, G replaced by A.
Protein change: p.Thr128=; no amino-acid change (threonine 128 retained).
Molecular consequence: synonymous variant. On other transcripts: non-coding transcript variant (1).
Genome position (GRCh38, 1-based): chr8:134,637,525, C>T on the plus strand (G>A on the coding strand, the complement: ZFAT is on the minus strand). VCF-style: chr8-134637525-C-T. GRCh37 (hg19) VCF-style: chr8-135649768-C-T.
Other names: c.348G>A, p.Thr116= (NM_001029939.4, NM_001167583.3, NM_001174158.2 and 1 more transcripts); c.384G>A, p.Thr128= (NM_001174157.2).
Identifiers: ClinVar variation 3905125 (VCV003905125.10).
Genomic context (GRCh38, chr8:134,637,525, plus strand): 5'-TTCTCCTTCCTCCTCACCCAAATTCAGCACGATAATGCAGATGTGCTTCCGCAGCTGGCG[C>T]GTGTTGGAGAACTTCCGACAGCACTTGCTACACTCCAAGCTGCTTGGAGGCAGGCTGTTC-3'
Protein context (NP_065914.2, residues 118-138): CSKCCRKFSN[Thr128=]RQLRKHICII

ClinVar aggregate classification (germline): Likely benign (1 of 4 stars; one submission).

gnomAD v4.1: 430 of 1,614,164 alleles (0.027%); highest among the groups gnomAD compares: South Asian, 0.38%; 3 homozygotes.

Submission:

CeGaT Center for Human Genetics Tuebingen
Classification: Likely benign. Last evaluated: 2025-06-01. Review status: criteria provided, single submitter. Criteria: CeGaT Center For Human Genetics Tuebingen Variant Classification Criteria Version 2. Collection method: clinical testing. Allele origin: germline. Affected: yes. Observed: 1 variant allele.
Comment: ZFAT: BP4, BP7